The following is an entry in ClinVar:

NM_001807.6(CEL):c.1938C>T (p.Pro646=)

Gene: CEL (carboxyl ester lipase; plus strand). Cytogenetic location: 9q34.13.
Variant type: single nucleotide variant.
Coding change: c.1938C>T on transcript NM_001807.6 (MANE Select); coding-DNA position 1938, C replaced by T.
Protein change: p.Pro646=; no amino-acid change (proline 646 retained).
Molecular consequence: synonymous variant.
Genome position (GRCh38, 1-based): chr9:133,071,440, C>T. VCF-style: chr9-133071440-C-T. GRCh37 (hg19) VCF-style: chr9-135946827-C-T.
Identifiers: ClinVar variation 2659679 (VCV002659679.24), dbSNP rs2490437813, ClinGen allele CA467814183.

ClinVar aggregate classification (germline): Likely benign (1 of 4 stars; one submission).

Submission:

CeGaT Center for Human Genetics Tuebingen
Classification: Likely benign. Last evaluated: 2023-02-01. Review status: criteria provided, single submitter. Criteria: CeGaT Center For Human Genetics Tuebingen Variant Classification Criteria Version 2. Collection method: clinical testing. Allele origin: germline. Affected: yes. Observed: 1 variant allele.
Comment: CEL: PM2:Supporting, BP4, BP7